The following is an entry in ClinVar:

ClinVar aggregate classification (germline): Uncertain significance (1 of 4 stars; one submission).

Conditions:
Autosomal dominant limb-girdle muscular dystrophy type 1G (LGMDD3). Also called: Limb-girdle muscular dystrophy, type 1G; MUSCULAR DYSTROPHY, LIMB-GIRDLE, AUTOSOMAL DOMINANT 3. Identifiers: Orphanet 55596, MedGen C1836765, MONDO:0012193, OMIM 609115.

Allele frequency attached by ClinVar (database versions not stated): gnomAD 0.00003; TOPMed 0.00004.
gnomAD v4.1: 26 of 1,524,222 alleles (0.0017%); highest among the groups gnomAD compares: Admixed American, 0.011%; no homozygotes.

Submission:

Labcorp Genetics (formerly Invitae), Labcorp
Classification: Uncertain significance for Autosomal dominant limb-girdle muscular dystrophy type 1G. Last evaluated: 2025-02-13. Review status: criteria provided, single submitter. Criteria: Invitae Variant Classification Sherloc (09022015). Collection method: clinical testing. Allele origin: germline.
Comment: This sequence change replaces histidine, which is basic and polar, with glutamine, which is neutral and polar, at codon 60 of the HNRNPDL protein (p.His60Gln). This variant is present in population databases (no rsID available, gnomAD 0.005%). This variant has not been reported in the literature in individuals affected with HNRNPDL-related conditions. ClinVar contains an entry for this variant (Variation ID: 2046417). An algorithm developed to predict the effect of missense changes on protein structure and function (PolyPhen-2) suggests that this variant is likely to be tolerated. In summary, the available evidence is currently insufficient to determine the role of this variant in disease. Therefore, it has been classified as a Variant of Uncertain Significance.

NM_031372.4(HNRNPDL):c.180C>G (p.His60Gln)

Gene: HNRNPDL (heterogeneous nuclear ribonucleoprotein D like; minus strand). Cytogenetic location: 4q21.22.
Variant type: single nucleotide variant.
Coding change: c.180C>G on transcript NM_031372.4 (MANE Select); coding-DNA position 180, C replaced by G.
Protein change: p.His60Gln; replaces histidine 60 with glutamine.
Molecular consequence: missense variant. On other transcripts: non-coding transcript variant (1).
Genome position (GRCh38, 1-based): chr4:82,429,511, G>C on the plus strand (C>G on the coding strand, the complement: HNRNPDL is on the minus strand). VCF-style: chr4-82429511-G-C. GRCh37 (hg19) VCF-style: chr4-83350664-G-C.
Other names: c.180C>G, p.His60Gln (NM_001207000.1); short protein forms H60Q.
Identifiers: ClinVar variation 2046417 (VCV002046417.4), dbSNP rs935119489, ClinGen allele CA100599307.